The following is an entry in ClinVar:

ClinVar aggregate classification (germline): Likely pathogenic (1 of 4 stars; one submission).

Conditions:
Arrhythmogenic right ventricular cardiomyopathy (ARVD). Also called: Arrhythmogenic right ventricular dysplasia; Arrhythmogenic Right Ventricular Cardiomyopathy (ARVC); Cardiomyopathy, ARVC; Arrhythmogenic cardiomyopathy. Identifiers: Orphanet 247, MedGen C0349788, MeSH D019571, MONDO:0016587. Disease mechanism: loss of function. Inheritance: Various modes of inheritance.

Submission:

Clinical Genetics Laboratory, Skane University Hospital Lund
Classification: Likely pathogenic for Arrhythmogenic right ventricular cardiomyopathy. Last evaluated: 2026-05-21. Review status: criteria provided, single submitter. Criteria: ACMG Guidelines, 2015. Collection method: clinical testing. Allele origin: germline. Affected: yes.
Comment: ACMG criteria applied: PVS1, PM2.

NM_001943.5(DSG2):c.472del (p.Val158fs)

Gene: DSG2 (desmoglein 2; plus strand). Cytogenetic location: 18q12.1.
Variant type: Deletion.
Coding change: c.472del on transcript NM_001943.5 (MANE Select); coding-DNA position 472, one base deleted (G; older notation c.472delG).
Protein change: p.Val158fs; shifts the reading frame from valine 158.
Molecular consequence: frameshift variant.
Genome position (GRCh38, 1-based): chr18:31,521,192, G deleted. VCF-style (leftmost placement, unchanged base first): chr18-31521191-AG-A. GRCh37 (hg19) VCF-style: chr18-29101154-AG-A.
Other names: short protein forms V158fs.
Identifiers: ClinVar variation 4851280 (VCV004851280.1).
Genomic context (GRCh38, chr18:31,521,191, plus strand): 5'-CAATGTAGAGAAACCCTTAGAGCTACGCATTAAGGTTCTTGATATCAATGACAACGAACC[AG>A]TGTTCACACAGGATGTCTTTGTTGGGTCTGTTGAAGAGTTGAGTGCAGCACGTAAGAGTC-3'